The following is an entry in ClinVar:

NM_198428.3(BBS9):c.329-5del

Gene: BBS9 (Bardet-Biedl syndrome 9; plus strand). Cytogenetic location: 7p14.3.
Variant type: Deletion.
Coding change: c.329-5del on transcript NM_198428.3 (MANE Select); 5 bases into the intron before coding-DNA position 329, one base deleted (C; older notation c.329-5delC).
Molecular consequence: intron variant.
Genome position (GRCh38, 1-based): chr7:33,177,473, C deleted; the last of 2 consecutive C bases (chr7:33,177,472-33,177,473); deleting either gives the same sequence. VCF-style (leftmost placement, unchanged base first): chr7-33177471-TC-T. GRCh37 (hg19) VCF-style: chr7-33217083-TC-T.
Other names: c.329-5del (NM_001348036.1, NM_001362679.1, NM_001348041.4 and 5 more transcripts); c.56-5del (NM_001348038.3, NM_001348039.3); c.-38-5del (NM_001348037.3, NM_001348045.3, NM_001348046.3 and 1 more transcripts); c.194-5del (NM_001348042.3); c.329-5delC (NM_198428.2).
Identifiers: ClinVar variation 1549773 (VCV001549773.9), dbSNP rs1797490601, ClinGen allele CA573762346.

ClinVar aggregate classification (germline): Likely benign. Review status: criteria provided, single submitter (1 of 4 stars). 2 submissions from 2 submitters: Likely benign (1). 1 of the submissions does not count toward it. Last evaluated 2025-04-28.

Conditions:
BBS9-related disorder. Also called: BBS9-related condition.
Bardet-Biedl syndrome (BBS). Identifiers: Orphanet 110, MedGen C0752166, MONDO:0015229.

Submissions (2):

Labcorp Genetics (formerly Invitae), Labcorp
Classification: Likely benign for Bardet-Biedl syndrome. Last evaluated: 2025-04-28. Review status: criteria provided, single submitter. Criteria: Invitae Variant Classification Sherloc (09022015). Collection method: clinical testing. Allele origin: germline.

PreventionGenetics, part of Exact Sciences
Classification: Likely benign for BBS9-related condition. Last evaluated: 2022-12-21. Review status: no assertion criteria provided. Collection method: clinical testing. Allele origin: germline. Not counted in ClinVar's aggregate classification.
Comment: This variant is classified as likely benign based on ACMG/AMP sequence variant interpretation guidelines (Richards et al. 2015 PMID: 25741868, with internal and published modifications).